The following is an entry in ClinVar:

ClinVar aggregate classification (germline): Uncertain significance (1 of 4 stars; one submission).

Allele frequency attached by ClinVar (database versions not stated): gnomAD 0.00001; gnomAD exomes 0.00001; TOPMed 0.00002; ExAC 0.00006.
gnomAD v4.1: 9 of 1,599,414 alleles (0.00056%); highest among the groups gnomAD compares: Admixed American, 0.0018%; no homozygotes.

Submission:

Labcorp Genetics (formerly Invitae), Labcorp
Classification: Uncertain significance. Last evaluated: 2022-05-07. Review status: criteria provided, single submitter. Criteria: Invitae Variant Classification Sherloc (09022015). Collection method: clinical testing. Allele origin: germline.
Comment: In summary, the available evidence is currently insufficient to determine the role of this variant in disease. Therefore, it has been classified as a Variant of Uncertain Significance. Algorithms developed to predict the effect of missense changes on protein structure and function are either unavailable or do not agree on the potential impact of this missense change (SIFT: "Deleterious"; PolyPhen-2: "Possibly Damaging"; Align-GVGD: "Class C0"). This variant has not been reported in the literature in individuals affected with TUBGCP6-related conditions. The frequency data for this variant in the population databases is considered unreliable, as metrics indicate poor data quality at this position in the gnomAD database. This sequence change replaces proline, which is neutral and non-polar, with serine, which is neutral and polar, at codon 1481 of the TUBGCP6 protein (p.Pro1481Ser).

NM_020461.4(TUBGCP6):c.4441C>T (p.Pro1481Ser)

Gene: TUBGCP6 (tubulin gamma complex component 6; minus strand). Cytogenetic location: 22q13.33.
Variant type: single nucleotide variant.
Coding change: c.4441C>T on transcript NM_020461.4 (MANE Select); coding-DNA position 4441, C replaced by T.
Protein change: p.Pro1481Ser; replaces proline 1481 with serine.
Molecular consequence: missense variant.
Genome position (GRCh38, 1-based): chr22:50,219,331, G>A on the plus strand (C>T on the coding strand, the complement: TUBGCP6 is on the minus strand). VCF-style: chr22-50219331-G-A. GRCh37 (hg19) VCF-style: chr22-50657760-G-A.
Other names: short protein forms P1481S.
Identifiers: ClinVar variation 2116227 (VCV002116227.4), dbSNP rs758809785, ClinGen allele CA10307512.